The following is an entry in ClinVar:

ClinVar aggregate classification (germline): Pathogenic (1 of 4 stars; one submission).

Conditions:
Neurofibromatosis, type 1 (NF1). Also called: NEUROFIBROMATOSIS, TYPE I, SOMATIC; Peripheral type neurofibromatosis; Neurofibromatosis, type I; VON RECKLINGHAUSEN DISEASE. Identifiers: Orphanet 636, MedGen C0027831, MONDO:0018975, OMIM 162200. Disease mechanism: loss of function.

Submission:

MVZ Medizinische Genetik Mainz
Classification: Pathogenic for Neurofibromatosis, type 1. Last evaluated: 2026-04-16. Review status: criteria provided, single submitter. Criteria: UK Practice Guidelines For Variant Classification V4 01 2020. Collection method: clinical testing. Allele origin: germline. Inheritance: Autosomal dominant inheritance. Affected: yes. Observed: 1 variant allele.
Comment: ACMG Criteria: PVS1,PM2_SUP_MOD,PM5_SUP

NM_001042492.3(NF1):c.6428_6429dup (p.Glu2144fs)

Gene: NF1 (neurofibromin 1; plus strand). Cytogenetic location: 17q11.2.
Variant type: Duplication.
Coding change: c.6428_6429dup on transcript NM_001042492.3 (MANE Select); coding-DNA positions 6428 to 6429, 2 bases duplicated (AA; older notation c.6428_6429dupAA).
Protein change: p.Glu2144fs; shifts the reading frame from glutamic acid 2144.
Molecular consequence: frameshift variant.
Genome position (GRCh38, 1-based): chr17:31,337,368-31,337,369, AA duplicated. VCF-style (leftmost placement, unchanged base first): chr17-31337367-G-GAA. GRCh37 (hg19) VCF-style: chr17-29664385-G-GAA.
Other names: c.6365_6366dup, p.Glu2123fs (NM_000267.4); short protein forms E2123fs, E2144fs.
Identifiers: ClinVar variation 5038134 (VCV005038134.1).